The following is an entry in ClinVar:

NM_016169.4(SUFU):c.855C>T (p.Asp285=)

Gene: SUFU (SUFU negative regulator of hedgehog signaling; plus strand). Cytogenetic location: 10q24.32.
Variant type: single nucleotide variant.
Coding change: c.855C>T on transcript NM_016169.4 (MANE Select); coding-DNA position 855, C replaced by T.
Protein change: p.Asp285=; no amino-acid change (aspartic acid 285 retained).
Molecular consequence: synonymous variant.
Genome position (GRCh38, 1-based): chr10:102,597,238, C>T. VCF-style: chr10-102597238-C-T. GRCh37 (hg19) VCF-style: chr10-104356995-C-T.
Other names: c.855C>T, p.Asp285= (NM_001178133.2).
Identifiers: ClinVar variation 453981 (VCV000453981.40), dbSNP rs200206997, ClinGen allele CA5667786.

ClinVar aggregate classification (germline): Benign/Likely benign. Review status: criteria provided, multiple submitters, no conflicts (2 of 4 stars). 5 submissions from 5 submitters: Benign (1); Likely benign (4). Last evaluated 2025-12-29.

Conditions:
Gorlin syndrome. Also called: Nevoid Basal Cell Carcinoma Syndrome; Basal cell nevus syndrome. Identifiers: Orphanet 377, MedGen C0004779, MONDO:0007187.
Medulloblastoma (MDB). Also called: MEDULLOBLASTOMA PREDISPOSITION SYNDROME; Medulloblastoma, somatic. Identifiers: Orphanet 616, MedGen C0025149, MeSH D008527, MONDO:0007959, OMIM 155255, HP:0002885.
Hereditary cancer-predisposing syndrome. Also called: Hereditary neoplastic syndrome; Neoplastic Syndromes, Hereditary; Hereditary Cancer Syndrome; Tumor predisposition. Identifiers: Orphanet 140162, MedGen C0027672, MeSH D009386, MONDO:0015356.

Allele frequency attached by ClinVar (database versions not stated): gnomAD exomes 0.00002 and 0.00006; TOPMed 0.00002; ExAC 0.00004; gnomAD 0.00004 and 0.00005; 1000 Genomes Project 0.00060; 1000 Genomes Project 30x 0.00062.
gnomAD v4.1: 37 of 1,613,994 alleles (0.0023%); highest among the groups gnomAD compares: Admixed American, 0.015%; no homozygotes.

Submissions (5):

Center for Genomic Medicine, Rigshospitalet, Copenhagen University Hospital
Classification: Likely benign. Last evaluated: 2025-12-29. Review status: criteria provided, single submitter. Criteria: ACMG Guidelines, 2015. Collection method: clinical testing. Allele origin: germline.

Labcorp Genetics (formerly Invitae), Labcorp
Classification: Likely benign for Gorlin syndrome; Medulloblastoma. Last evaluated: 2025-12-08. Review status: criteria provided, single submitter. Criteria: Invitae Variant Classification Sherloc (09022015). Collection method: clinical testing. Allele origin: germline.

Quest Diagnostics Nichols Institute San Juan Capistrano
Classification: Benign. Last evaluated: 2025-09-08. Review status: criteria provided, single submitter. Criteria: Quest Diagnostics criteria. Collection method: clinical testing. Allele origin: unknown.

CeGaT Center for Human Genetics Tuebingen
Classification: Likely benign. Last evaluated: 2025-08-01. Review status: criteria provided, single submitter. Criteria: CeGaT Center For Human Genetics Tuebingen Variant Classification Criteria Version 2. Collection method: clinical testing. Allele origin: germline. Affected: yes. Observed: 2 variant alleles.
Comment: SUFU: BP4, BP7

Ambry Genetics
Classification: Likely benign for Hereditary cancer-predisposing syndrome. Last evaluated: 2019-07-17. Review status: criteria provided, single submitter. Criteria: Ambry Variant Classification Scheme 2023. Collection method: clinical testing. Allele origin: germline.